The following is an entry in ClinVar:

ClinVar aggregate classification (germline): Likely pathogenic (1 of 4 stars; one submission).

Conditions:
Charlevoix-Saguenay spastic ataxia (SACS). Also called: AUTOSOMAL RECESSIVE SPASTIC ATAXIA OF CHARLEVOIX-SAGUENAY; SPASTIC ATAXIA 6, AUTOSOMAL RECESSIVE; Spastic ataxia of Charlevoix-Saguenay. Identifiers: Orphanet 98, MedGen C1849140, MONDO:0010041, OMIM 270550.

Allele frequency attached by ClinVar (database versions not stated): gnomAD exomes below 0.00001.
gnomAD v4.1: 2 of 1,614,212 alleles (0.00012%); highest among the groups gnomAD compares: Non-Finnish European, 0.00017%; no homozygotes.

Submission:

MGZ Medical Genetics Center
Classification: Likely pathogenic for Charlevoix-Saguenay spastic ataxia. Last evaluated: 2022-02-26. Review status: criteria provided, single submitter. Criteria: ACMG Guidelines, 2015. Collection method: clinical testing. Allele origin: germline. Affected: yes. Observed: 2 variant alleles.
Comment: ACMG criteria applied: PVS1, PM2_SUP

NM_014363.6(SACS):c.1636C>T (p.Gln546Ter)

Gene: SACS (sacsin molecular chaperone; minus strand). Cytogenetic location: 13q12.12.
Variant type: single nucleotide variant.
Coding change: c.1636C>T on transcript NM_014363.6 (MANE Select); coding-DNA position 1636, C replaced by T.
Protein change: p.Gln546Ter; replaces glutamine 546 with a stop codon.
Molecular consequence: nonsense.
Genome position (GRCh38, 1-based): chr13:23,354,976, G>A on the plus strand (C>T on the coding strand, the complement: SACS is on the minus strand). VCF-style: chr13-23354976-G-A. GRCh37 (hg19) VCF-style: chr13-23929115-G-A.
Other names: c.1195C>T, p.Gln399Ter (NM_001278055.2); short protein forms Q399*, Q546*.
Identifiers: ClinVar variation 1709109 (VCV001709109.2), dbSNP rs2542394667, ClinGen allele CA387547449.
Genomic context (GRCh38, chr13:23,354,976, plus strand): 5'-TAATTGAATAAATCACTGCATTCTGCAACAGCTCGCTGAATAGAGGCTCTAACACCGGTT[G>A]CCAGTGCACCTTGACTTTGCTCGCCTCCGGCCAAAGCTTATAGATAACATCAACTGACAA-3'